The following is an entry in ClinVar:

ClinVar aggregate classification (germline): Uncertain significance (1 of 4 stars; one submission).

gnomAD v4.1: 1 of 1,613,946 alleles (0.000062%); highest among the groups gnomAD compares: Non-Finnish European, 0.000085%; no homozygotes.

Submission:

Women's Health and Genetics/Laboratory Corporation of America, LabCorp
Classification: Uncertain significance. Last evaluated: 2021-10-06. Review status: criteria provided, single submitter. Criteria: LabCorp Variant Classification Summary - May 2015. Collection method: clinical testing. Allele origin: germline.
Comment: Variant summary: LAMA2 c.3832G>T (p.Gly1278Cys) results in a non-conservative amino acid change located in the Laminin IV domain of the encoded protein sequence. Five of five in-silico tools predict a damaging effect of the variant on protein function. The variant was absent in 251404 control chromosomes. The available data on variant occurrences in the general population are insufficient to allow any conclusion about variant significance. c.3832G>T has been reported in the literature in an individual affected with Laminin Alpha 2-Related Dystrophy in the compound heterozygous state (Oliveira_2008). These data do not allow any conclusion about variant significance. To our knowledge, no experimental evidence demonstrating an impact on protein function has been reported. No clinical diagnostic laboratories have submitted clinical-significance assessments for this variant to ClinVar after 2014. Based on the evidence outlined above, the variant was classified as uncertain significance.

Literature cited by the submitters: PubMed 30055037; PubMed 27858741; PubMed 18700894.

NM_000426.4(LAMA2):c.3832G>T (p.Gly1278Cys)

Gene: LAMA2 (laminin subunit alpha 2; plus strand). Cytogenetic location: 6q22.33.
Variant type: single nucleotide variant.
Coding change: c.3832G>T on transcript NM_000426.4 (MANE Select); coding-DNA position 3832, G replaced by T.
Protein change: p.Gly1278Cys; replaces glycine 1278 with cysteine.
Molecular consequence: missense variant.
Genome position (GRCh38, 1-based): chr6:129,315,858, G>T. VCF-style: chr6-129315858-G-T. GRCh37 (hg19) VCF-style: chr6-129637003-G-T.
Other names: c.3832G>T, p.Gly1278Cys (NM_001079823.2); short protein forms G1278C.
Identifiers: ClinVar variation 1321457 (VCV001321457.1), dbSNP rs571035066, ClinGen allele CA365613373.
Genomic context (GRCh38, chr6:129,315,858, plus strand): 5'-TATTTCGAGGCTCGGGAAGAAACAGGTTTCTCTACATATAATCCTCAAGTGATCATTCGA[G>T]GTGGGACACCTACTCATGCTAGAATTATCGTCAGGCATATGGCTGCTCCTCTGATTGGCC-3'
Protein context (NP_000417.3, residues 1268-1288): STYNPQVIIR[Gly1278Cys]GTPTHARIIV